The following is an entry in ClinVar:

ClinVar aggregate classification (germline): Uncertain significance (1 of 4 stars; one submission).

Allele frequency attached by ClinVar (database versions not stated): gnomAD exomes below 0.00001.
gnomAD v4.1: 1 of 1,613,970 alleles (0.000062%); highest among the groups gnomAD compares: Non-Finnish European, 0.000085%; no homozygotes.

Submission:

Labcorp Genetics (formerly Invitae), Labcorp
Classification: Uncertain significance. Last evaluated: 2023-07-25. Review status: criteria provided, single submitter. Criteria: Invitae Variant Classification Sherloc (09022015). Collection method: clinical testing. Allele origin: germline.
Comment: In summary, the available evidence is currently insufficient to determine the role of this variant in disease. Therefore, it has been classified as a Variant of Uncertain Significance. Advanced modeling of protein sequence and biophysical properties (such as structural, functional, and spatial information, amino acid conservation, physicochemical variation, residue mobility, and thermodynamic stability) has been performed at Invitae for this missense variant, however the output from this modeling did not meet the statistical confidence thresholds required to predict the impact of this variant on NOTCH3 protein function. ClinVar contains an entry for this variant (Variation ID: 1939725). This variant has not been reported in the literature in individuals affected with NOTCH3-related conditions. This variant is not present in population databases (gnomAD no frequency). This sequence change replaces proline, which is neutral and non-polar, with leucine, which is neutral and non-polar, at codon 370 of the NOTCH3 protein (p.Pro370Leu).

NM_000435.3(NOTCH3):c.1109C>T (p.Pro370Leu)

Gene: NOTCH3 (notch receptor 3; minus strand). Cytogenetic location: 19p13.12.
Variant type: single nucleotide variant.
Coding change: c.1109C>T on transcript NM_000435.3 (MANE Select); coding-DNA position 1109, C replaced by T.
Protein change: p.Pro370Leu; replaces proline 370 with leucine.
Molecular consequence: missense variant.
Genome position (GRCh38, 1-based): chr19:15,189,356, G>A on the plus strand (C>T on the coding strand, the complement: NOTCH3 is on the minus strand). VCF-style: chr19-15189356-G-A. GRCh37 (hg19) VCF-style: chr19-15300167-G-A.
Other names: short protein forms P370L.
Identifiers: ClinVar variation 1939725 (VCV001939725.5), dbSNP rs778814028, ClinGen allele CA404529284.